The following is an entry in ClinVar:

NM_001098816.3(TENM4):c.816C>T (p.Gly272=)

Gene: TENM4 (teneurin transmembrane protein 4; minus strand). Cytogenetic location: 11q14.1.
Variant type: single nucleotide variant.
Coding change: c.816C>T on transcript NM_001098816.3 (MANE Select); coding-DNA position 816, C replaced by T.
Protein change: p.Gly272=; no amino-acid change (glycine 272 retained).
Molecular consequence: synonymous variant.
Genome position (GRCh38, 1-based): chr11:78,891,270, G>A on the plus strand (C>T on the coding strand, the complement: TENM4 is on the minus strand). VCF-style: chr11-78891270-G-A. GRCh37 (hg19) VCF-style: chr11-78602315-G-A.
Other names: c.816C>T (NM_001098816.2).
Identifiers: ClinVar variation 2642233 (VCV002642233.25), dbSNP rs201811725, ClinGen allele CA6207629.

ClinVar aggregate classification (germline): Benign. Review status: criteria provided, single submitter (1 of 4 stars). 2 submissions from 2 submitters: Benign (1). 1 of the submissions does not count toward it. Last evaluated 2022-08-01.

Conditions:
TENM4-related disorder. Also called: TENM4-related condition.

Allele frequency attached by ClinVar (database versions not stated): ExAC 0.00055; 1000 Genomes Project 0.00060; gnomAD 0.00064; 1000 Genomes Project 30x 0.00094; ESP Exome Variant Server 0.00110; TOPMed 0.00127.
gnomAD v4.1: 1,758 of 1,551,678 alleles (0.11%); highest among the groups gnomAD compares: Non-Finnish European, 0.14%; 2 homozygotes.

Submissions (2):

CeGaT Center for Human Genetics Tuebingen
Classification: Benign. Last evaluated: 2022-08-01. Review status: criteria provided, single submitter. Criteria: CeGaT Center For Human Genetics Tuebingen Variant Classification Criteria Version 2. Collection method: clinical testing. Allele origin: germline. Affected: yes. Observed: 1 variant allele.
Comment: TENM4: BS1, BS2

PreventionGenetics, part of Exact Sciences
Classification: Likely benign for TENM4-related condition. Last evaluated: 2019-08-12. Review status: no assertion criteria provided. Collection method: clinical testing. Allele origin: germline. Not counted in ClinVar's aggregate classification.
Comment: This variant is classified as likely benign based on ACMG/AMP sequence variant interpretation guidelines (Richards et al. 2015 PMID: 25741868, with internal and published modifications).